The following is an entry in ClinVar:

ClinVar aggregate classification (germline): Uncertain significance (1 of 4 stars; one submission).

Conditions:
Kabuki syndrome. Also called: NIIKAWA-KUROKI SYNDROME; Kabuki make-up syndrome. Identifiers: Orphanet 2322, MedGen C0796004, MONDO:0016512.

Submission:

Labcorp Genetics (formerly Invitae), Labcorp
Classification: Uncertain significance for Kabuki syndrome. Last evaluated: 2023-09-10. Review status: criteria provided, single submitter. Criteria: Invitae Variant Classification Sherloc (09022015). Collection method: clinical testing. Allele origin: germline.
Comment: This variant is not present in population databases (gnomAD no frequency). This sequence change replaces lysine, which is basic and polar, with glutamic acid, which is acidic and polar, at codon 4501 of the KMT2D protein (p.Lys4501Glu). This variant has not been reported in the literature in individuals affected with KMT2D-related conditions. In summary, the available evidence is currently insufficient to determine the role of this variant in disease. Therefore, it has been classified as a Variant of Uncertain Significance. Advanced modeling of protein sequence and biophysical properties (such as structural, functional, and spatial information, amino acid conservation, physicochemical variation, residue mobility, and thermodynamic stability) has been performed at Invitae for this missense variant, however the output from this modeling did not meet the statistical confidence thresholds required to predict the impact of this variant on KMT2D protein function.

NM_003482.4(KMT2D):c.13501A>G (p.Lys4501Glu)

Gene: KMT2D (lysine methyltransferase 2D; minus strand). Cytogenetic location: 12q13.12.
Variant type: single nucleotide variant.
Coding change: c.13501A>G on transcript NM_003482.4 (MANE Select); coding-DNA position 13501, A replaced by G.
Protein change: p.Lys4501Glu; replaces lysine 4501 with glutamic acid.
Molecular consequence: missense variant.
Genome position (GRCh38, 1-based): chr12:49,031,204, T>C on the plus strand (A>G on the coding strand, the complement: KMT2D is on the minus strand). VCF-style: chr12-49031204-T-C. GRCh37 (hg19) VCF-style: chr12-49424987-T-C.
Other names: short protein forms K4501E.
Identifiers: ClinVar variation 2805017 (VCV002805017.3), dbSNP rs2498349691, ClinGen allele CA384703999.
Genomic context (GRCh38, chr12:49,031,204, plus strand): 5'-CTACCTGCTCCACTCTACTCAGAGTACTCACCTCCTTGTTGCTGGGGGTACCCTGTAGTT[T>C]CTGCTCCAGCCCAGCCAGCTTGCTGTCAATGTGCCCGTTGATCTCAGCTCGCAGCCCCTC-3'
Protein context (NP_003473.3, residues 4491-4511): IDSKLAGLEQ[Lys4501Glu]LQGTPSNKED